The following is an entry in ClinVar:

NM_004168.4(SDHA):c.1663G>C (p.Gly555Arg)

Gene: SDHA (succinate dehydrogenase complex flavoprotein subunit A; plus strand). Cytogenetic location: 5p15.33.
Variant type: single nucleotide variant.
Coding change: c.1663G>C on transcript NM_004168.4 (MANE Select); coding-DNA position 1663, G replaced by C.
Protein change: p.Gly555Arg; replaces glycine 555 with arginine.
Molecular consequence: missense variant. On other transcripts: intron variant (1).
Genome position (GRCh38, 1-based): chr5:251,103, G>C. VCF-style: chr5-251103-G-C. GRCh37 (hg19) VCF-style: chr5-251218-G-C.
Other names: c.1519G>C, p.Gly507Arg (NM_001294332.2); c.1552-3290G>C (NM_001330758.2); short protein forms G555R, G507R.
Identifiers: ClinVar variation 580366 (VCV000580366.14), dbSNP rs1392860800, ClinGen allele CA358999003.

ClinVar aggregate classification (germline): Uncertain significance. Review status: criteria provided, multiple submitters, no conflicts (2 of 4 stars). 2 submissions from 2 submitters: Uncertain significance (2). Last evaluated 2026-02-11.

Conditions:
Hereditary cancer-predisposing syndrome. Also called: Neoplastic Syndromes, Hereditary; Tumor predisposition; Hereditary neoplastic syndrome; Hereditary Cancer Syndrome. Identifiers: Orphanet 140162, MedGen C0027672, MeSH D009386, MONDO:0015356.
Mitochondrial complex II deficiency, nuclear type 1. Also called: SUCCINATE CoQ REDUCTASE DEFICIENCY. Identifiers: Orphanet 3208, MedGen C5700310, MONDO:0100294, OMIM 252011.
Pheochromocytoma/paraganglioma syndrome 5. Also called: Paragangliomas 5; SDHA-Related Hereditary Paraganglioma-Pheochromocytoma Syndrome. Identifiers: Orphanet 29072, MedGen C3279992, MONDO:0013602, OMIM 614165.

Submissions (2):

Ambry Genetics
Classification: Uncertain significance for Hereditary cancer-predisposing syndrome. Last evaluated: 2026-02-11. Review status: criteria provided, single submitter. Criteria: Ambry Variant Classification Scheme 2023. Collection method: clinical testing. Allele origin: germline.
Comment: The p.G555R variant (also known as c.1663G>C), located in coding exon 12 of the SDHA gene, results from a G to C substitution at nucleotide position 1663. The amino acid change results in glycine to arginine at codon 555, an amino acid with dissimilar properties. This change occurs in the last base pair of coding exon 12, which makes it likely to have some effect on normal mRNA splicing. This nucleotide position is highly conserved in available vertebrate species. This amino acid position is also highly conserved in available vertebrate species. In silico splice site analysis predicts that this alteration will weaken the native splice donor site. In addition, this alteration is predicted to be deleterious by in silico analysis. Based on the available evidence, the clinical significance of this variant remains unclear.

Labcorp Genetics (formerly Invitae), Labcorp
Classification: Uncertain significance for Pheochromocytoma/paraganglioma syndrome 5; Mitochondrial complex II deficiency, nuclear type 1. Last evaluated: 2025-09-28. Review status: criteria provided, single submitter. Criteria: Invitae Variant Classification Sherloc (09022015). Collection method: clinical testing. Allele origin: germline.
Comment: This sequence change replaces glycine, which is neutral and non-polar, with arginine, which is basic and polar, at codon 555 of the SDHA protein (p.Gly555Arg). This variant also falls at the last nucleotide of exon 12, which is part of the consensus splice site for this exon. This variant is not present in population databases (gnomAD no frequency). This variant has not been reported in the literature in individuals affected with SDHA-related conditions. ClinVar contains an entry for this variant (Variation ID: 580366). An algorithm developed to predict the effect of missense changes on protein structure and function (PolyPhen-2) suggests that this variant is likely to be disruptive. Variants that disrupt the consensus splice site are a relatively common cause of aberrant splicing (PMID: 17576681, 9536098). Studies have shown that this missense change is associated with altered splicing resulting in multiple RNA products (internal data). In summary, the available evidence is currently insufficient to determine the role of this variant in disease. Therefore, it has been classified as a Variant of Uncertain Significance.

Literature cited by the submitters: PubMed 17576681 (cited by Labcorp Genetics (formerly Invitae), Labcorp); PubMed 9536098 (cited by Labcorp Genetics (formerly Invitae), Labcorp).